The following is an entry in ClinVar:

NC_000004.11:g.(?_100470245)_(100521910_?)dup

Genes: MTTP (microsomal triglyceride transfer protein; plus strand), TRMT10A (tRNA methyltransferase 10A; minus strand). Cytogenetic location: 4q23.
Variant type: Duplication.
Identifiers: ClinVar variation 1412787 (VCV001412787.4).

ClinVar aggregate classification (germline): Uncertain significance (1 of 4 stars; one submission).

Submission:

Labcorp Genetics (formerly Invitae), Labcorp
Classification: Uncertain significance. Last evaluated: 2020-11-26. Review status: criteria provided, single submitter. Criteria: Invitae Variant Classification Sherloc (09022015). Collection method: clinical testing. Allele origin: germline.
Comment: A copy number gain of the genomic region encompassing the full coding sequence of the TRMT10A gene has been identified. The boundaries of this event are unknown as they extend beyond the assayed region for this gene and therefore may encompass additional genes. As the precise location of this event is unknown, it may be in tandem or it may be located elsewhere in the genome. In summary, the available evidence is currently insufficient to determine the role of this variant in disease. Therefore, it has been classified as a Variant of Uncertain Significance. Experimental studies and prediction algorithms are not available or were not evaluated, and the functional significance of this variant is currently unknown. This variant has not been reported in the literature in individuals with TRMT10A-related conditions.